The following is an entry in ClinVar:

ClinVar aggregate classification (germline): Uncertain significance. Review status: criteria provided, multiple submitters, no conflicts (2 of 4 stars). 2 submissions from 2 submitters: Uncertain significance (2). Last evaluated 2024-12-20.

Conditions:
Inborn genetic diseases. Identifiers: MedGen C0950123, MeSH D030342.

Allele frequency attached by ClinVar (database versions not stated): gnomAD exomes 0.00002; ExAC 0.00010; TOPMed 0.00013.

Submissions (2):

Athena Diagnostics
Classification: Uncertain significance. Last evaluated: 2024-12-20. Review status: criteria provided, single submitter. Criteria: Athena Diagnostics Criteria. Collection method: clinical testing. Allele origin: unknown.
Comment: Available data are insufficient to determine the clinical significance of the variant at this time. The frequency of this variant in the general population is higher than would generally be expected for pathogenic variants in this gene. Polyphen and MutationTaster predict this amino acid change may be benign.

Ambry Genetics
Classification: Uncertain significance for Inborn genetic diseases. Last evaluated: 2023-11-14. Review status: criteria provided, single submitter. Criteria: Ambry Variant Classification Scheme 2023. Collection method: clinical testing. Allele origin: germline.

NM_000144.5(FXN):c.128G>A (p.Arg43His)

Genes: FXN (frataxin; plus strand), LOC130001862 (ATAC-STARR-seq lymphoblastoid silent region 19931; plus strand). Cytogenetic location: 9q21.11.
Variant type: single nucleotide variant.
Coding change: c.128G>A on transcript NM_000144.5 (MANE Select); coding-DNA position 128, G replaced by A.
Protein change: p.Arg43His; replaces arginine 43 with histidine.
Molecular consequence: missense variant.
Genome position (GRCh38, 1-based): chr9:69,035,910, G>A. VCF-style: chr9-69035910-G-A. GRCh37 (hg19) VCF-style: chr9-71650826-G-A.
Other names: c.128G>A, p.Arg43His (NM_181425.3); short protein forms R43H.
Identifiers: ClinVar variation 447360 (VCV000447360.3), dbSNP rs752207437, ClinGen allele CA5072644.
Genomic context (GRCh38, chr9:69,035,910, plus strand): 5'-CCCTCACCCGGGTCCCGCGGCCGGCAGAGTTGGCCCCACTCTGCGGCCGCCGTGGCCTGC[G>A]CACCGACATCGATGCGACCTGCACGCCCCGCCGCGCAGTAAGTATCCGCGCCGGGAACAG-3'
Protein context (NP_000135.2, residues 33-53): LAPLCGRRGL[Arg43His]TDIDATCTPR